The following is an entry in ClinVar:

NM_000135.4(FANCA):c.1843C>T (p.Pro615Ser)

Gene: FANCA (FA complementation group A; minus strand). Cytogenetic location: 16q24.3.
Variant type: single nucleotide variant.
Coding change: c.1843C>T on transcript NM_000135.4 (MANE Select); coding-DNA position 1843, C replaced by T.
Protein change: p.Pro615Ser; replaces proline 615 with serine.
Molecular consequence: missense variant.
Genome position (GRCh38, 1-based): chr16:89,775,799, G>A on the plus strand (C>T on the coding strand, the complement: FANCA is on the minus strand). VCF-style: chr16-89775799-G-A. GRCh37 (hg19) VCF-style: chr16-89842207-G-A.
Other names: c.1843C>T (LRG_495t1); c.1843C>T, p.Pro615Ser (NM_001286167.3); short protein forms P615S.
Identifiers: ClinVar variation 656871 (VCV000656871.7), dbSNP rs1567623107, ClinGen allele CA397452078.

ClinVar aggregate classification (germline): Uncertain significance. Review status: criteria provided, multiple submitters, no conflicts (2 of 4 stars). 2 submissions from 2 submitters: Uncertain significance (2). Last evaluated 2025-01-14.

Conditions:
Inborn genetic diseases. Identifiers: MedGen C0950123, MeSH D030342.
Fanconi anemia (FA). Also called: Fanconi's anemia. Identifiers: Orphanet 84, MedGen C0015625, MeSH D005199, MONDO:0019391.

Allele frequency attached by ClinVar (database versions not stated): TOPMed 0.00001; gnomAD exomes below 0.00001.
gnomAD v4.1: 1 of 1,612,084 alleles (0.000062%); no homozygotes.

Submissions (2):

Ambry Genetics
Classification: Uncertain significance for Inborn genetic diseases. Last evaluated: 2025-01-14. Review status: criteria provided, single submitter. Criteria: Ambry Variant Classification Scheme 2023. Collection method: clinical testing. Allele origin: germline.
Comment: The p.P615S variant (also known as c.1843C>T), located in coding exon 21 of the FANCA gene, results from a C to T substitution at nucleotide position 1843. The proline at codon 615 is replaced by serine, an amino acid with similar properties. This amino acid position is conserved. In addition, this alteration is predicted to be tolerated by in silico analysis. Based on the available evidence, the clinical significance of this variant remains unclear.

Labcorp Genetics (formerly Invitae), Labcorp
Classification: Uncertain significance for Fanconi anemia. Last evaluated: 2021-09-01. Review status: criteria provided, single submitter. Criteria: Invitae Variant Classification Sherloc (09022015). Collection method: clinical testing. Allele origin: germline.
Comment: This sequence change replaces proline with serine at codon 615 of the FANCA protein (p.Pro615Ser). The proline residue is weakly conserved and there is a moderate physicochemical difference between proline and serine. This variant is not present in population databases (ExAC no frequency). This variant has not been reported in the literature in individuals affected with FANCA-related conditions. Algorithms developed to predict the effect of missense changes on protein structure and function output the following: SIFT: "Tolerated"; PolyPhen-2: "Possibly Damaging"; Align-GVGD: "Class C0". The serine amino acid residue is found in multiple mammalian species, which suggests that this missense change does not adversely affect protein function. In summary, the available evidence is currently insufficient to determine the role of this variant in disease. Therefore, it has been classified as a Variant of Uncertain Significance.